The following is an entry in ClinVar:

NM_001164508.2(NEB):c.1215dup (p.Lys406fs)

Gene: NEB (nebulin; minus strand). Cytogenetic location: 2q23.3.
Variant type: Duplication.
Coding change: c.1215dup on transcript NM_001164508.2 (MANE Select); coding-DNA position 1215, one base duplicated (C; older notation c.1215dupC).
Protein change: p.Lys406fs; shifts the reading frame from lysine 406.
Molecular consequence: frameshift variant.
Genome position (GRCh38, 1-based): chr2:151,697,586, G duplicated on the plus strand (C on the coding strand, the reverse complement: NEB is on the minus strand); the first of 5 consecutive G bases (chr2:151,697,586-151,697,590); duplicating any one gives the same sequence. VCF-style (leftmost placement, unchanged base first): chr2-151697585-T-TG. GRCh37 (hg19) VCF-style: chr2-152554099-T-TG.
Other names: NM_001164508.2(NEB):c.1215dup; p.Lys406fs; c.1215dup, p.Lys406fs (NM_001164507.2, NM_001271208.2, NM_004543.5); short protein forms K406fs.
Identifiers: ClinVar variation 2137916 (VCV002137916.6), dbSNP rs2552270221, ClinGen allele CA2580064079.

ClinVar aggregate classification (germline): Pathogenic/Likely pathogenic. Review status: criteria provided, multiple submitters, no conflicts (2 of 4 stars). 3 submissions from 3 submitters: Pathogenic (2); Likely pathogenic (1). Last evaluated 2025-03-24.

Conditions:
Nemaline myopathy. Also called: Myopathies, Nemaline. Identifiers: Orphanet 607, MedGen C0206157, MONDO:0018958.
Nemaline myopathy 2 (NEM2). Also called: Nemaline myopathy 2, autosomal recessive. Identifiers: MedGen C1850569, MONDO:0009725, OMIM 256030.

Submissions (3):

Broad Center for Mendelian Genomics, Broad Institute of MIT and Harvard
Classification: Likely pathogenic for Nemaline myopathy. Last evaluated: 2025-03-24. Review status: criteria provided, single submitter. Criteria: ACMG Guidelines, 2015. Collection method: curation. Allele origin: germline. Inheritance: Autosomal recessive inheritance.
Comment: The p.Lys406GlnfsTer13 variant in NEB has not been previously reported in the literature in individuals with nemaline myopathy, but has been identified in 0.00009% (1/1179780) of European (non-Finnish) chromosomes by the Genome Aggregation Database (gnomAD). Although this variant has been seen in the general population in a heterozygous state, its frequency is low enough to be consistent with a recessive carrier frequency. It is of note that this variant occurs in a homopolymer repeat, which could indicate that it exists as an artifact from sequencing. However, disease-causing variants have been reported in homopolymer regions, so this is not enough to rule out a pathogenic role. This variant has also been reported in ClinVar (Variation ID: 2137916) aInd has been interpreted as pathogenic by Invitae. This variant is predicted to cause a frameshift, which alters the protein‚Äôs amino acid sequence beginning at position 406 and leads to a premature termination codon 13 amino acids downstream. This alteration is then predicted to lead to a truncated or absent protein. Loss of function of the NEB gene is an established disease mechanism in autosomal recessive nemaline myopathy. In summary, although additional studies are required to fully establish its clinical significance, this variant is likely pathogenic for autosomal recessive nemaline myopathy. ACMG/AMP Criteria applied: PVS1, PM2_supporting (Richards 2015).

Myriad Genetics, Inc.
Classification: Pathogenic for Nemaline myopathy 2. Last evaluated: 2025-03-04. Review status: criteria provided, single submitter. Criteria: Myriad Autosomal Dominant, Autosomal Recessive and X-Linked Classification Criteria (2023). Collection method: clinical testing. Allele origin: unknown.
Comment: NM_001271208.1(NEB):c.1215dupC(K406Qfs*13) is expected to be pathogenic in the context of NEB-related nemaline myopathy. This variant is predicted to lead to an abnormal or absent protein product due to the creation of a premature termination codon in NEB, a gene where loss-of-function variants are known to be pathogenic. Please note: this variant was assessed in the context of healthy population screening.

Labcorp Genetics (formerly Invitae), Labcorp
Classification: Pathogenic for Nemaline myopathy 2. Last evaluated: 2024-04-27. Review status: criteria provided, single submitter. Criteria: Invitae Variant Classification Sherloc (09022015). Collection method: clinical testing. Allele origin: germline.
Comment: This sequence change creates a premature translational stop signal (p.Lys406Glnfs*13) in the NEB gene. It is expected to result in an absent or disrupted protein product. Loss-of-function variants in NEB are known to be pathogenic (PMID: 25205138). This variant is not present in population databases (gnomAD no frequency). This variant has not been reported in the literature in individuals affected with NEB-related conditions. ClinVar contains an entry for this variant (Variation ID: 2137916). For these reasons, this variant has been classified as Pathogenic.

Literature cited by the submitters: PubMed 25205138 (cited by Labcorp Genetics (formerly Invitae), Labcorp).